The following is an entry in ClinVar:

ClinVar aggregate classification (germline): Uncertain significance. Review status: criteria provided, multiple submitters, no conflicts (2 of 4 stars). 2 submissions from 2 submitters: Uncertain significance (2). Last evaluated 2025-04-18.

Allele frequency attached by ClinVar (database versions not stated): ExAC 0.00001.
gnomAD v4.1: 1 of 1,613,500 alleles (0.000062%); highest among the groups gnomAD compares: Non-Finnish European, 0.000085%; no homozygotes.

Submissions (2):

Revvity Omics, Revvity
Classification: Uncertain significance. Last evaluated: 2025-04-18. Review status: criteria provided, single submitter. Criteria: ACMG Guidelines, 2015. Collection method: clinical testing. Allele origin: germline.

GeneDx
Classification: Uncertain significance. Last evaluated: 2022-08-08. Review status: criteria provided, single submitter. Criteria: GeneDx Variant Classification Process June 2021. Collection method: clinical testing. Allele origin: germline. Affected: yes.
Comment: Not observed at significant frequency in large population cohorts (gnomAD); Canonical splice site variant in a gene or region of a gene for which loss of function is not a well-established mechanism of disease; Has not been previously published as pathogenic or benign to our knowledge

NM_002471.4(MYH6):c.1002+1G>A

Gene: MYH6 (myosin heavy chain 6; minus strand). Cytogenetic location: 14q11.2.
Variant type: single nucleotide variant.
Coding change: c.1002+1G>A on transcript NM_002471.4 (MANE Select); the canonical splice donor site of the intron after coding-DNA position 1002, G replaced by A.
Molecular consequence: splice donor variant.
Genome position (GRCh38, 1-based): chr14:23,402,696, C>T on the plus strand (G>A on the coding strand, the complement: MYH6 is on the minus strand). VCF-style: chr14-23402696-C-T. GRCh37 (hg19) VCF-style: chr14-23871905-C-T.
Other names: c.1002+1G>A (NM_002471.3).
Identifiers: ClinVar variation 2429508 (VCV002429508.2), dbSNP rs776627067, ClinGen allele CA7115949.